The following is an entry in ClinVar:

ClinVar aggregate classification (germline): Benign/Likely benign. Review status: criteria provided, multiple submitters, no conflicts (2 of 4 stars). 2 submissions from 2 submitters: Benign (1); Likely benign (1). Last evaluated 2025-10-28.

Conditions:
Hereditary diffuse gastric adenocarcinoma (HDGC). Also called: DIFFUSE GASTRIC AND LOBULAR BREAST CANCER SYNDROME. Identifiers: Orphanet 26106, MedGen C1708349, MONDO:0007648, OMIM 137215.

Submissions (2):

Labcorp Genetics (formerly Invitae), Labcorp
Classification: Likely benign for Hereditary diffuse gastric adenocarcinoma. Last evaluated: 2025-10-28. Review status: criteria provided, single submitter. Criteria: Invitae Variant Classification Sherloc (09022015). Collection method: clinical testing. Allele origin: germline.

Myriad Genetics, Inc.
Classification: Benign for Hereditary diffuse gastric adenocarcinoma. Last evaluated: 2024-09-11. Review status: criteria provided, single submitter. Criteria: Myriad Autosomal Dominant, Autosomal Recessive and X-Linked Classification Criteria (2023). Collection method: clinical testing. Allele origin: unknown.
Comment: This variant is considered benign. This variant is a silent/synonymous amino acid change and it is not expected to impact splicing.

NM_004360.5(CDH1):c.63C>G (p.Leu21=)

Gene: CDH1 (cadherin 1; plus strand). Cytogenetic location: 16q22.1.
Variant type: single nucleotide variant.
Coding change: c.63C>G on transcript NM_004360.5 (MANE Select); coding-DNA position 63, C replaced by G.
Protein change: p.Leu21=; no amino-acid change (leucine 21 retained).
Molecular consequence: synonymous variant. On other transcripts: 5 prime UTR variant (2).
Genome position (GRCh38, 1-based): chr16:68,738,311, C>G. VCF-style: chr16-68738311-C-G. GRCh37 (hg19) VCF-style: chr16-68772214-C-G.
Other names: c.63C>G, p.Leu21= (NM_001317184.2); c.-1553C>G (NM_001317185.2); c.-1757C>G (NM_001317186.2).
Identifiers: ClinVar variation 3379313 (VCV003379313.2).